The following is an entry in ClinVar:

NM_001201543.2(FAM161A):c.1627C>G (p.Arg543Gly)

Gene: FAM161A (FAM161 centrosomal protein A; minus strand). Cytogenetic location: 2p15.
Variant type: single nucleotide variant.
Coding change: c.1627C>G on transcript NM_001201543.2 (MANE Select); coding-DNA position 1627, C replaced by G.
Protein change: p.Arg543Gly; replaces arginine 543 with glycine.
Molecular consequence: missense variant. On other transcripts: intron variant (1).
Genome position (GRCh38, 1-based): chr2:61,838,662, G>C on the plus strand (C>G on the coding strand, the complement: FAM161A is on the minus strand). VCF-style: chr2-61838662-G-C. GRCh37 (hg19) VCF-style: chr2-62065797-G-C.
Other names: c.1583+759C>G (NM_032180.3); short protein forms R543G.
Identifiers: ClinVar variation 2428443 (VCV002428443.4), dbSNP rs752889787, ClinGen allele CA1679080.

ClinVar aggregate classification (germline): Uncertain significance. Review status: criteria provided, multiple submitters, no conflicts (2 of 4 stars). 2 submissions from 2 submitters: Uncertain significance (2). Last evaluated 2022-05-31.

gnomAD v4.1: 4 of 1,608,834 alleles (0.00025%); highest among the groups gnomAD compares: Non-Finnish European, 0.00034%; no homozygotes.

Submissions (2):

Labcorp Genetics (formerly Invitae), Labcorp
Classification: Uncertain significance. Last evaluated: 2022-05-31. Review status: criteria provided, single submitter. Criteria: Invitae Variant Classification Sherloc (09022015). Collection method: clinical testing. Allele origin: germline.
Comment: This sequence change replaces arginine, which is basic and polar, with glycine, which is neutral and non-polar, at codon 543 of the FAM161A protein (p.Arg543Gly). This variant is present in population databases (rs752889787, gnomAD 0.001%). This variant has not been reported in the literature in individuals affected with FAM161A-related conditions. Algorithms developed to predict the effect of missense changes on protein structure and function are either unavailable or do not agree on the potential impact of this missense change (SIFT: "Deleterious"; PolyPhen-2: "Probably Damaging"; Align-GVGD: "Class C0"). Algorithms developed to predict the effect of sequence changes on RNA splicing suggest that this variant may disrupt the consensus splice site. In summary, the available evidence is currently insufficient to determine the role of this variant in disease. Therefore, it has been classified as a Variant of Uncertain Significance.

Blueprint Genetics
Classification: Uncertain significance. Last evaluated: 2022-05-24. Review status: criteria provided, single submitter. Criteria: ACMG Guidelines, 2015. Collection method: clinical testing. Allele origin: germline.